The following is an entry in ClinVar:

ClinVar aggregate classification (germline): Uncertain significance (1 of 4 stars; one submission).

Conditions:
Mucopolysaccharidosis, MPS-IV-A (MPS4A). Also called: Mucopolysaccharidosis type IV A; Mucopolysaccharidosis Type IVA; Morquio syndrome A, mild; MORQUIO SYNDROME A; MPS IVA; mucopolysaccharidosis type 4A. Identifiers: Orphanet 309297, Orphanet 582, MedGen C0086651, MONDO:0009659, OMIM 253000.

Submission:

Laboratory of Diagnosis and Therapy of Lysosomal Disorders, University of Padova
Classification: Uncertain significance for Mucopolysaccharidosis, MPS-IV-A. Last evaluated: 2021-02-01. Review status: criteria provided, single submitter. Criteria: ACMG Guidelines, 2015. Collection method: curation. Allele origin: germline. Affected: yes.
Comment: In vivo functional studies supportive of a damaging effect on the gene product (low to null enzymatic activity in homozygotes; PS3_supporting); the prevalence of the variant in affected individuals is significantly increased compared with the prevalence in controls (PS4_supporting); absent from gnomAD v2.1.1 (PM2_moderate); multiple lines of computational evidence support a deleterious effect on the gene (PP3_supporting)

Literature cited by the submitters: PubMed 18792995; PubMed 24726177; PubMed 34387910.

NM_000512.5(GALNS):c.477G>T (p.Trp159Cys)

Gene: GALNS (galactosamine (N-acetyl)-6-sulfatase; minus strand). Cytogenetic location: 16q24.3.
Variant type: single nucleotide variant.
Coding change: c.477G>T on transcript NM_000512.5 (MANE Select); coding-DNA position 477, G replaced by T.
Protein change: p.Trp159Cys; replaces tryptophan 159 with cysteine.
Molecular consequence: missense variant. On other transcripts: 5 prime UTR variant (1).
Genome position (GRCh38, 1-based): chr16:88,837,711, C>A on the plus strand (G>T on the coding strand, the complement: GALNS is on the minus strand). VCF-style: chr16-88837711-C-A. GRCh37 (hg19) VCF-style: chr16-88904119-C-A.
Other names: c.-79G>T (NM_001323543.2); c.495G>T, p.Trp165Cys (NM_001323544.2); short protein forms W159C, W165C.
Identifiers: ClinVar variation 1048192 (VCV001048192.3), dbSNP rs398123439, ClinGen allele CA397083187.